The following is an entry in ClinVar:

ClinVar aggregate classification (germline): Uncertain significance. Review status: criteria provided, multiple submitters, no conflicts (2 of 4 stars). 2 submissions from 2 submitters: Uncertain significance (2). Last evaluated 2025-10-21.

Conditions:
Progressive myoclonic epilepsy type 9. Identifiers: Orphanet 457265, MedGen C4225289, MONDO:0014685, OMIM 616540.
Lipodystrophy, partial, acquired, susceptibility to (APLD). Also called: APLD, SUSCEPTIBILITY TO. Identifiers: MedGen C3887501, MONDO:0100476, OMIM 608709.

Allele frequency attached by ClinVar (database versions not stated): ExAC 0.00001; TOPMed below 0.00001; gnomAD exomes 0.00001; gnomAD 0.00001.
gnomAD v4.1: 6 of 1,606,904 alleles (0.00037%); highest among the groups gnomAD compares: Admixed American, 0.005%; no homozygotes.

Submissions (2):

Labcorp Genetics (formerly Invitae), Labcorp
Classification: Uncertain significance for Progressive myoclonic epilepsy type 9; Lipodystrophy, partial, acquired, susceptibility to. Last evaluated: 2025-10-21. Review status: criteria provided, single submitter. Criteria: Invitae Variant Classification Sherloc (09022015). Collection method: clinical testing. Allele origin: germline.
Comment: This sequence change replaces aspartic acid, which is acidic and polar, with glutamic acid, which is acidic and polar, at codon 297 of the LMNB2 protein (p.Asp297Glu). This variant is present in population databases (rs768380280, gnomAD 0.009%). This variant has not been reported in the literature in individuals affected with LMNB2-related conditions. ClinVar contains an entry for this variant (Variation ID: 1034159). Invitae Evidence Modeling of protein sequence and biophysical properties (such as structural, functional, and spatial information, amino acid conservation, physicochemical variation, residue mobility, and thermodynamic stability) indicates that this missense variant is not expected to disrupt LMNB2 protein function with a negative predictive value of 80%. In summary, the available evidence is currently insufficient to determine the role of this variant in disease. Therefore, it has been classified as a Variant of Uncertain Significance.

Baylor Genetics
Classification: Uncertain significance for Progressive myoclonic epilepsy type 9. Last evaluated: 2018-10-16. Review status: criteria provided, single submitter. Criteria: ACMG Guidelines, 2015. Collection method: clinical testing. Allele origin: unknown. Affected: yes.
Comment: This variant was determined to be of uncertain significance according to ACMG Guidelines, 2015 [PMID:25741868].

NM_032737.4(LMNB2):c.891C>G (p.Asp297Glu)

Gene: LMNB2 (lamin B2; minus strand). Cytogenetic location: 19p13.3.
Variant type: single nucleotide variant.
Coding change: c.891C>G on transcript NM_032737.4 (MANE Select); coding-DNA position 891, C replaced by G.
Protein change: p.Asp297Glu; replaces aspartic acid 297 with glutamic acid.
Molecular consequence: missense variant.
Genome position (GRCh38, 1-based): chr19:2,434,878, G>C on the plus strand (C>G on the coding strand, the complement: LMNB2 is on the minus strand). VCF-style: chr19-2434878-G-C. GRCh37 (hg19) VCF-style: chr19-2434876-G-C.
Other names: short protein forms D297E.
Identifiers: ClinVar variation 1034159 (VCV001034159.3), dbSNP rs768380280, ClinGen allele CA9067690.